The following is an entry in ClinVar:

NM_000091.5(COL4A3):c.888+1G>C

Genes: COL4A3 (collagen type IV alpha 3 chain; plus strand), MFF-DT (MFF divergent transcript; minus strand). Cytogenetic location: 2q36.3.
Variant type: single nucleotide variant.
Coding change: c.888+1G>C on transcript NM_000091.5 (MANE Select); the canonical splice donor site of the intron after coding-DNA position 888, G replaced by C.
Molecular consequence: splice donor variant.
Genome position (GRCh38, 1-based): chr2:227,254,716, G>C. VCF-style: chr2-227254716-G-C. GRCh37 (hg19) VCF-style: chr2-228119432-G-C.
Identifiers: ClinVar variation 4796806 (VCV004796806.2).

ClinVar aggregate classification (germline): Pathogenic. Review status: criteria provided, multiple submitters, no conflicts (2 of 4 stars). 2 submissions from 2 submitters: Pathogenic (2). Last evaluated 2026-03-26.

Conditions:
Autosomal dominant Alport syndrome (ATS3A). Also called: ALPORT SYNDROME 3A, AUTOSOMAL DOMINANT; Alport syndrome dominant type; Renal failure and sensorineural hearing loss. Identifiers: Orphanet 63, Orphanet 88918, MedGen C5882663, MONDO:0007086, OMIM 104200.
Hematuria, benign familial, 2 (BFH2). Identifiers: MedGen C5830421, MONDO:0958186, OMIM 620320.

Submissions (2):

Centre de Génétique Humaine, Institut de Pathologie Et de Génétique
Classification: Pathogenic for Hematuria, benign familial, 2. Last evaluated: 2026-03-26. Review status: criteria provided, single submitter. Criteria: ACMG Guidelines, 2015. Collection method: clinical testing. Allele origin: germline. Inheritance: Autosomal dominant inheritance. Affected: yes. Observed: 1 variant allele, 1 heterozygote. Segregation with disease not observed.
Comment: Variant located in the canonical donor splice site of intron 15 (PVS1). This variant is rare: absent in gnomAD v4.1.0 database(PM2).

MVZ Medizinische Genetik Mainz
Classification: Pathogenic for Autosomal dominant Alport syndrome. Last evaluated: 2026-02-13. Review status: criteria provided, single submitter. Criteria: UK Practice Guidelines For Variant Classification V4 01 2020. Collection method: clinical testing. Allele origin: germline. Inheritance: Autosomal dominant inheritance. Affected: yes. Observed: 1 variant allele.
Comment: ACMG Criteria: PVS1,PM2_SUP,PP4